The following is an entry in ClinVar:

ClinVar aggregate classification (germline): Conflicting classifications of pathogenicity. Review status: criteria provided, conflicting classifications (1 of 4 stars). 6 submissions from 5 submitters: Uncertain significance (5); Likely benign (1). Last evaluated 2026-01-13.

Conditions:
Hereditary cancer-predisposing syndrome. Also called: Hereditary Cancer Syndrome; Hereditary neoplastic syndrome; Neoplastic Syndromes, Hereditary; Tumor predisposition. Identifiers: Orphanet 140162, MedGen C0027672, MeSH D009386, MONDO:0015356.
Intellectual disability, autosomal dominant 16 (CSS4). Also called: COFFIN-SIRIS SYNDROME 4. Identifiers: Orphanet 1465, MedGen C3553249, MONDO:0013821, OMIM 614609.
Rhabdoid tumor predisposition syndrome 2 (RTPS2). Identifiers: Orphanet 231108, Orphanet 69077, MedGen C2750074, MONDO:0013224, OMIM 613325.

Allele frequency attached by ClinVar (database versions not stated): TOPMed below 0.00001.
gnomAD v4.1: 12 of 1,545,208 alleles (0.00078%); highest among the groups gnomAD compares: Non-Finnish European, 0.00096%; no homozygotes.

Submissions (6):

Labcorp Genetics (formerly Invitae), Labcorp
Classification: Uncertain significance for Rhabdoid tumor predisposition syndrome 2. Last evaluated: 2026-01-13. Review status: criteria provided, single submitter. Criteria: Invitae Variant Classification Sherloc (09022015). Collection method: clinical testing. Allele origin: germline.
Comment: This sequence change replaces alanine, which is neutral and non-polar, with threonine, which is neutral and polar, at codon 227 of the SMARCA4 protein (p.Ala227Thr). This variant is not present in population databases (gnomAD no frequency). This missense change has been observed in individual(s) with SMARCA4-related conditions (PMID: 28873162). ClinVar contains an entry for this variant (Variation ID: 408603). An algorithm developed to predict the effect of missense changes on protein structure and function outputs the following: PolyPhen-2: "Benign". The threonine amino acid residue is found in multiple mammalian species, which suggests that this missense change does not adversely affect protein function. In summary, the available evidence is currently insufficient to determine the role of this variant in disease. Therefore, it has been classified as a Variant of Uncertain Significance.

Baylor Genetics
Classification: Uncertain significance for Rhabdoid tumor predisposition syndrome 2. Last evaluated: 2023-08-21. Review status: criteria provided, single submitter. Criteria: ACMG Guidelines, 2015. Collection method: clinical testing. Allele origin: unknown.

Quest Diagnostics Nichols Institute San Juan Capistrano
Classification: Uncertain significance. Last evaluated: 2022-11-11. Review status: criteria provided, single submitter. Criteria: Quest Diagnostics criteria. Collection method: clinical testing. Allele origin: unknown.
Comment: The frequency of this variant in the general population, 0.0000066 (1/152210 chromosomes), is uninformative in assessment of its pathogenicity. In the published literature, the variant has been identified in an individual with advanced cancer (PMID: 28873162 (2017)). Analysis of this variant using bioinformatics tools for the prediction of the effect of amino acid changes on protein structure and function yielded predictions that this variant is benign. Based on the available information, we are unable to determine the clinical significance of this variant.

Ambry Genetics
Classification: Likely benign for Hereditary cancer-predisposing syndrome. Last evaluated: 2021-09-02. Review status: criteria provided, single submitter. Criteria: Ambry Variant Classification Scheme 2023. Collection method: clinical testing. Allele origin: germline.

Genome-Nilou Lab
Classification: Uncertain significance for Intellectual disability, autosomal dominant 16. Last evaluated: 2021-07-15. Review status: criteria provided, single submitter. Criteria: ACMG Guidelines, 2015. Collection method: clinical testing. Allele origin: germline. Affected: no.

Baylor Genetics
Classification: Uncertain significance for Intellectual disability, autosomal dominant 16. Last evaluated: 2019-01-29. Review status: criteria provided, single submitter. Criteria: ACMG Guidelines, 2015. Collection method: clinical testing. Allele origin: maternal. Affected: yes.
Comment: This variant was determined to be of uncertain significance according to ACMG Guidelines, 2015 [PMID:25741868].

Literature cited by the submitters: PubMed 28873162 (cited by Labcorp Genetics (formerly Invitae), Labcorp and Quest Diagnostics Nichols Institute San Juan Capistrano).

NM_003072.5(SMARCA4):c.679G>A (p.Ala227Thr)

Gene: SMARCA4 (SWI/SNF related BAF chromatin remodeling complex subunit ATPase 4; plus strand). Cytogenetic location: 19p13.2.
Variant type: single nucleotide variant.
Coding change: c.679G>A on transcript NM_003072.5 (MANE Select); coding-DNA position 679, G replaced by A.
Protein change: p.Ala227Thr; replaces alanine 227 with threonine.
Molecular consequence: missense variant. On other transcripts: non-coding transcript variant (1).
Genome position (GRCh38, 1-based): chr19:10,986,512, G>A. VCF-style: chr19-10986512-G-A. GRCh37 (hg19) VCF-style: chr19-11097188-G-A.
Other names: c.679G>A, p.Ala227Thr (NM_001128844.3, NM_001128845.2, NM_001128846.2 and 5 more transcripts); short protein forms A227T.
Identifiers: ClinVar variation 408603 (VCV000408603.18), dbSNP rs769096295, ClinGen allele CA16615884.